The following is an entry in ClinVar:

NM_004369.4(COL6A3):c.8451A>G (p.Pro2817=)

Gene: COL6A3 (collagen type VI alpha 3 chain; minus strand). Cytogenetic location: 2q37.3.
Variant type: single nucleotide variant.
Coding change: c.8451A>G on transcript NM_004369.4 (MANE Select); coding-DNA position 8451, A replaced by G.
Protein change: p.Pro2817=; no amino-acid change (proline 2817 retained).
Molecular consequence: synonymous variant.
Genome position (GRCh38, 1-based): chr2:237,340,465, T>C on the plus strand (A>G on the coding strand, the complement: COL6A3 is on the minus strand). VCF-style: chr2-237340465-T-C. GRCh37 (hg19) VCF-style: chr2-238249108-T-C.
Other names: p.Pro2817=; c.6630A>G, p.Pro2210= (NM_057166.5); c.7833A>G, p.Pro2611= (NM_057167.4).
Identifiers: ClinVar variation 95003 (VCV000095003.29), dbSNP rs61729844, ClinGen allele CA148062.
Genomic context (GRCh38, chr2:237,340,465, plus strand): 5'-GAGCATAAAGCCAGGCCAGGGCACATGCTGTGCCACGCAGGACTTACTGCTGACGAAGGA[T>C]GGCAACAGCCTCCCGAAGCGCATCAAAGGCTCCTCGTTGAGCTCGGTGGACTTGTCCACT-3'
Protein context (NP_004360.2, residues 2807-2827): EPLMRFGRLL[Pro2817=]SFVSSENAFY

ClinVar aggregate classification (germline): Benign/Likely benign. Review status: criteria provided, multiple submitters, no conflicts (2 of 4 stars). 12 submissions from 12 submitters: Benign (8); Likely benign (1). 3 of the submissions do not count toward it. Last evaluated 2026-02-02.

Conditions:
Collagen 6-related myopathy. Identifiers: MedGen CN117976, MONDO:0100225.
Bethlem myopathy 1A. Also called: MYOPATHY, BENIGN CONGENITAL, WITH CONTRACTURES; Bethlem Muscular Dystrophy; Bethlem myopathy 1. Identifiers: Orphanet 610, MedGen CN029274, MONDO:0024530, OMIM 158810.

Allele frequency attached by ClinVar (database versions not stated): TOPMed 0.06467; gnomAD 0.06824 and 0.06907; 1000 Genomes Project 30x 0.04216; 1000 Genomes Project 0.04353; ESP Exome Variant Server 0.07181; gnomAD exomes 0.07454 and 0.09754; ExAC 0.07517.
gnomAD v4.1: 152,399 of 1,612,866 alleles (9.4%); highest among the groups gnomAD compares: Non-Finnish European, 11%; 8,121 homozygotes.

Submissions (12):

Labcorp Genetics (formerly Invitae), Labcorp
Classification: Benign for Bethlem myopathy 1A. Last evaluated: 2026-02-02. Review status: criteria provided, single submitter. Criteria: Invitae Variant Classification Sherloc (09022015). Collection method: clinical testing. Allele origin: germline.

Blueprint Genetics
Classification: Likely benign. Last evaluated: 2024-11-26. Review status: criteria provided, single submitter. Criteria: ACMG Guidelines, 2015. Collection method: clinical testing. Allele origin: germline.

Illumina Laboratory Services, Illumina
Classification: Benign for Collagen VI-related myopathy. Last evaluated: 2018-01-13. Review status: criteria provided, single submitter. Criteria: ICSL Variant Classification Criteria 13 December 2019. Collection method: clinical testing. Allele origin: germline.
Comment: This variant was observed in the ICSL laboratory as part of a predisposition screen in an ostensibly healthy population. It had not been previously curated by ICSL or reported in the Human Gene Mutation Database (HGMD: prior to June 1st, 2018), and was therefore a candidate for classification through an automated scoring system. Utilizing variant allele frequency, disease prevalence and penetrance estimates, and inheritance mode, an automated score was calculated to assess if this variant is too frequent to cause the disease. Based on the score and internal cut-off values, a variant classified as benign is not then subjected to further curation. The score for this variant resulted in a classification of benign for this disease.

Mayo Clinic Laboratories, Mayo Clinic
Classification: Benign. Last evaluated: 2017-10-10. Review status: criteria provided, single submitter. Criteria: ACMG Guidelines, 2015. Collection method: clinical testing. Allele origin: germline. Observed: 119 variant alleles.

Athena Diagnostics
Classification: Benign. Last evaluated: 2017-09-13. Review status: criteria provided, single submitter. Criteria: Athena Diagnostics Criteria. Collection method: clinical testing. Allele origin: germline.

GeneDx
Classification: Benign. Last evaluated: 2016-01-05. Review status: criteria provided, single submitter. Criteria: GeneDx Variant Classification (06012015). Collection method: clinical testing. Allele origin: germline. Affected: yes.
Comment: This variant is considered likely benign or benign based on one or more of the following criteria: it is a conservative change, it occurs at a poorly conserved position in the protein, it is predicted to be benign by multiple in silico algorithms, and/or has population frequency not consistent with disease.

Eurofins Ntd Llc (ga)
Classification: Benign. Last evaluated: 2012-08-07. Review status: criteria provided, single submitter. Criteria: EGL Classification Definitions 2015. Collection method: clinical testing. Allele origin: germline. Observed: 17 variant alleles, 15 heterozygotes, 2 homozygotes.

Breakthrough Genomics
Classification: Benign. Review status: criteria provided, single submitter. Criteria: ACMG Guidelines, 2015. Collection method: not provided. Allele origin: germline. Inheritance: Autosomal recessive inheritance. Affected: yes.

PreventionGenetics, part of Exact Sciences
Classification: Benign. Review status: criteria provided, single submitter. Criteria: ACMG Guidelines, 2015. Collection method: clinical testing. Allele origin: germline.

Clinical Genetics, Academic Medical Center
Classification: Benign. Review status: no assertion criteria provided. Collection method: clinical testing. Allele origin: germline. Affected: yes. Study: VKGL Data-share Consensus. Not counted in ClinVar's aggregate classification.

Genetic Services Laboratory, University of Chicago
Classification: Likely benign for AllHighlyPenetrant. Review status: no assertion criteria provided. Collection method: clinical testing. Allele origin: germline. Not counted in ClinVar's aggregate classification.
Comment: Likely benign based on allele frequency in 1000 Genomes Project or ESP global frequency and its presence in a patient with a rare or unrelated disease phenotype. NOT Sanger confirmed.

Joint Genome Diagnostic Labs from Nijmegen and Maastricht, Radboudumc and MUMC+
Classification: Benign. Review status: no assertion criteria provided. Collection method: clinical testing. Allele origin: germline. Affected: yes. Study: VKGL Data-share Consensus. Not counted in ClinVar's aggregate classification.